The following is an entry in ClinVar:

NM_206933.4(USH2A):c.12697T>C (p.Trp4233Arg)

Gene: USH2A (usherin; minus strand). Cytogenetic location: 1q41.
Variant type: single nucleotide variant.
Coding change: c.12697T>C on transcript NM_206933.4 (MANE Select); coding-DNA position 12697, T replaced by C.
Protein change: p.Trp4233Arg; replaces tryptophan 4233 with arginine.
Molecular consequence: missense variant.
Genome position (GRCh38, 1-based): chr1:215,675,214, A>G on the plus strand (T>C on the coding strand, the complement: USH2A is on the minus strand). VCF-style: chr1-215675214-A-G. GRCh37 (hg19) VCF-style: chr1-215848556-A-G.
Other names: short protein forms W4233R.
Identifiers: ClinVar variation 4817089 (VCV004817089.1).

ClinVar aggregate classification (germline): Likely pathogenic (1 of 4 stars; one submission).

Conditions:
Usher syndrome type 2A. Also called: RETINAL DISEASE IN USHER SYNDROME TYPE IIA, MODIFIER OF; USHER SYNDROME, TYPE IIA. Identifiers: Orphanet 231178, Orphanet 886, MedGen C1848634, MONDO:0010169, OMIM 276901.

Submission:

Natera, Inc.
Classification: Likely pathogenic for Usher syndrome type 2A. Last evaluated: 2024-11-12. Review status: criteria provided, single submitter. Criteria: Natera Variant Classification Schema (03/2026). Collection method: clinical testing. Allele origin: germline.
Comment: The c.12697T>C variant in USH2A is a missense variant predicted to cause substitution of tryptophan to arginine at amino acid 4233. This variant is rare in the general population with a frequency below the threshold expected for the associated phenotype(s). This variant has been observed in one or more individuals affected with the associated recessive disease, as either homozygous or compound heterozygous with a second variant (PMID: 28559085). This variant has been identified in one or more affected individuals with a phenotype highly consistent with the associated gene (PMID: 28559085). Computational prediction algorithms indicate this variant is likely to affect gene or protein function. Given the available evidence, this variant is classified as Likely Pathogenic.

Literature cited by the submitters: PubMed 28559085.